The following is an entry in ClinVar:

ClinVar aggregate classification (germline): Uncertain significance. Review status: criteria provided, multiple submitters, no conflicts (2 of 4 stars). 2 submissions from 2 submitters: Uncertain significance (2). Last evaluated 2026-06-03.

Conditions:
Inborn genetic diseases. Identifiers: MedGen C0950123, MeSH D030342.
Progressive sclerosing poliodystrophy (MTDPS4A). Also called: NEURONAL DEGENERATION OF CHILDHOOD WITH LIVER DISEASE, PROGRESSIVE; Mitochondrial DNA Depletion Syndrome 4A; Alpers Syndrome; ALPERS DIFFUSE DEGENERATION OF CEREBRAL GRAY MATTER WITH HEPATIC CIRRHOSIS; Alpers-Huttenlocher Syndrome; Mitochondrial DNA depletion syndrome 4A (Alpers type). Identifiers: Orphanet 726, MedGen C0205710, MONDO:0008758, OMIM 203700.

Submissions (2):

Ambry Genetics
Classification: Uncertain significance for Inborn genetic diseases. Last evaluated: 2026-06-03. Review status: criteria provided, single submitter. Criteria: Ambry Variant Classification Scheme 2023. Collection method: clinical testing. Allele origin: germline.

Labcorp Genetics (formerly Invitae), Labcorp
Classification: Uncertain significance for Progressive sclerosing poliodystrophy. Last evaluated: 2022-06-20. Review status: criteria provided, single submitter. Criteria: Invitae Variant Classification Sherloc (09022015). Collection method: clinical testing. Allele origin: germline.
Comment: This sequence change replaces serine, which is neutral and polar, with cysteine, which is neutral and slightly polar, at codon 147 of the POLG protein (p.Ser147Cys). This variant is not present in population databases (gnomAD no frequency). This variant has not been reported in the literature in individuals affected with POLG-related conditions. Algorithms developed to predict the effect of missense changes on protein structure and function are either unavailable or do not agree on the potential impact of this missense change (SIFT: "Deleterious"; PolyPhen-2: "Probably Damaging"; Align-GVGD: "Class C0"). In summary, the available evidence is currently insufficient to determine the role of this variant in disease. Therefore, it has been classified as a Variant of Uncertain Significance.

NM_002693.3(POLG):c.439A>T (p.Ser147Cys)

Genes: POLG (DNA polymerase gamma, catalytic subunit; minus strand), POLGARF (POLG alternative reading frame; minus strand). Cytogenetic location: 15q26.1.
Variant type: single nucleotide variant.
Coding change: c.439A>T on transcript NM_002693.3 (MANE Select); coding-DNA position 439, A replaced by T.
Protein change: p.Ser147Cys; replaces serine 147 with cysteine.
Molecular consequence: missense variant.
Genome position (GRCh38, 1-based): chr15:89,333,316, T>A on the plus strand (A>T on the coding strand, the complement: POLG is on the minus strand). VCF-style: chr15-89333316-T-A. GRCh37 (hg19) VCF-style: chr15-89876547-T-A.
Other names: c.439A>T, p.Ser147Cys (NM_001126131.2); short protein forms S147C.
Identifiers: ClinVar variation 2006563 (VCV002006563.5), dbSNP rs774011106, ClinGen allele CA393771740.